The following is an entry in ClinVar:

ClinVar aggregate classification (germline): Uncertain significance. Review status: criteria provided, multiple submitters, no conflicts (2 of 4 stars). 2 submissions from 2 submitters: Uncertain significance (2). Last evaluated 2025-05-27.

Conditions:
Neuropathy, hereditary sensory and autonomic, type 2A (HSAN2A). Also called: HSAN IIA; MORVAN DISEASE; NEUROPATHY, CONGENITAL SENSORY; NEUROPATHY, HEREDITARY SENSORY RADICULAR, AUTOSOMAL RECESSIVE; NEUROPATHY, HEREDITARY SENSORY, TYPE IIA; NEUROPATHY, PROGRESSIVE SENSORY, OF CHILDREN. Identifiers: Orphanet 970, MedGen C2752089, MONDO:0024309, OMIM 201300.
Generalized epilepsy with febrile seizures plus, type 7 (GEFSP7). Also called: GEFS+, TYPE 7. Identifiers: Orphanet 36387, MedGen C2751778, MONDO:0013470, OMIM 613863.
Inborn genetic diseases. Identifiers: MedGen C0950123, MeSH D030342.

Allele frequency attached by ClinVar (database versions not stated): gnomAD exomes below 0.00001; ExAC 0.00001.
gnomAD v4.1: 1 of 1,613,756 alleles (0.000062%); highest among the groups gnomAD compares: Non-Finnish European, 0.000085%; no homozygotes.

Submissions (2):

Labcorp Genetics (formerly Invitae), Labcorp
Classification: Uncertain significance for Neuropathy, hereditary sensory and autonomic, type 2A; Generalized epilepsy with febrile seizures plus, type 7. Last evaluated: 2025-05-27. Review status: criteria provided, single submitter. Criteria: Invitae Variant Classification Sherloc (09022015). Collection method: clinical testing. Allele origin: germline.
Comment: This sequence change replaces glutamine, which is neutral and polar, with arginine, which is basic and polar, at codon 265 of the SCN9A protein (p.Gln265Arg). This variant is not present in population databases (gnomAD no frequency). This variant has not been reported in the literature in individuals affected with SCN9A-related conditions. ClinVar contains an entry for this variant (Variation ID: 1003757). Invitae Evidence Modeling of protein sequence and biophysical properties (such as structural, functional, and spatial information, amino acid conservation, physicochemical variation, residue mobility, and thermodynamic stability) has been performed for this missense variant. However, the output from this modeling did not meet the statistical confidence thresholds required to predict the impact of this variant on SCN9A protein function. In summary, the available evidence is currently insufficient to determine the role of this variant in disease. Therefore, it has been classified as a Variant of Uncertain Significance.

Ambry Genetics
Classification: Uncertain significance for Inborn genetic diseases. Last evaluated: 2023-05-30. Review status: criteria provided, single submitter. Criteria: Ambry Variant Classification Scheme 2023. Collection method: clinical testing. Allele origin: germline.

NM_001365536.1(SCN9A):c.794A>G (p.Gln265Arg)

Gene: SCN9A (sodium voltage-gated channel alpha subunit 9; minus strand). Cytogenetic location: 2q24.3.
Variant type: single nucleotide variant.
Coding change: c.794A>G on transcript NM_001365536.1 (MANE Select); coding-DNA position 794, A replaced by G.
Protein change: p.Gln265Arg; replaces glutamine 265 with arginine.
Molecular consequence: missense variant.
Genome position (GRCh38, 1-based): chr2:166,303,197, T>C on the plus strand (A>G on the coding strand, the complement: SCN9A is on the minus strand). VCF-style: chr2-166303197-T-C. GRCh37 (hg19) VCF-style: chr2-167159707-T-C.
Other names: c.794A>G, p.Gln265Arg (NM_002977.4); short protein forms Q265R.
Identifiers: ClinVar variation 1003757 (VCV001003757.10), dbSNP rs760189302, ClinGen allele CA1944658.